The following is an entry in ClinVar:

NM_000038.6(APC):c.2729C>T (p.Thr910Ile)

Gene: APC (APC regulator of Wnt signaling pathway; plus strand). Cytogenetic location: 5q22.2.
Variant type: single nucleotide variant.
Coding change: c.2729C>T on transcript NM_000038.6 (MANE Select); coding-DNA position 2729, C replaced by T.
Protein change: p.Thr910Ile; replaces threonine 910 with isoleucine.
Molecular consequence: missense variant.
Genome position (GRCh38, 1-based): chr5:112,838,323, C>T. VCF-style: chr5-112838323-C-T. GRCh37 (hg19) VCF-style: chr5-112174020-C-T.
Other names: c.2729C>T, p.Thr910Ile (NM_001127510.3, NM_001354895.2); c.2675C>T, p.Thr892Ile (NM_001127511.3); c.2783C>T, p.Thr928Ile (NM_001354896.2); c.2759C>T, p.Thr920Ile (NM_001354897.2); c.2654C>T, p.Thr885Ile (NM_001354898.2); c.2645C>T, p.Thr882Ile (NM_001354899.2); c.2606C>T, p.Thr869Ile (NM_001354900.2); c.2552C>T, p.Thr851Ile (NM_001354901.2); and 5 more; short protein forms T885I, T920I, T627I, T910I, T784I, T809I, T750I, T819I.
Identifiers: ClinVar variation 1047321 (VCV001047321.10), dbSNP rs1765252006, ClinGen allele CA16027285.

ClinVar aggregate classification (germline): Uncertain significance (1 of 4 stars; one submission).

Conditions:
Familial adenomatous polyposis 1 (FAP1). Also called: POLYPOSIS, ADENOMATOUS INTESTINAL; FAMILIAL ADENOMATOUS POLYPOSIS 1, ATTENUATED. Identifiers: MedGen C2713442, MONDO:0021056, OMIM 175100. Disease mechanism: loss of function.

Submission:

Labcorp Genetics (formerly Invitae), Labcorp
Classification: Uncertain significance for Familial adenomatous polyposis 1. Last evaluated: 2022-07-12. Review status: criteria provided, single submitter. Criteria: Invitae Variant Classification Sherloc (09022015). Collection method: clinical testing. Allele origin: germline.
Comment: In summary, the available evidence is currently insufficient to determine the role of this variant in disease. Therefore, it has been classified as a Variant of Uncertain Significance. Algorithms developed to predict the effect of missense changes on protein structure and function (SIFT, PolyPhen-2, Align-GVGD) all suggest that this variant is likely to be tolerated. ClinVar contains an entry for this variant (Variation ID: 1047321). This variant has not been reported in the literature in individuals affected with APC-related conditions. This variant is not present in population databases (gnomAD no frequency). This sequence change replaces threonine, which is neutral and polar, with isoleucine, which is neutral and non-polar, at codon 910 of the APC protein (p.Thr910Ile).